The following is an entry in ClinVar:

ClinVar aggregate classification (germline): Likely benign. Review status: criteria provided, multiple submitters, no conflicts (2 of 4 stars). 2 submissions from 2 submitters: Likely benign (2). Last evaluated 2024-08-12.

Allele frequency attached by ClinVar (database versions not stated): TOPMed 0.00002; 1000 Genomes Project 0.00020; gnomAD exomes 0.00002 and 0.00004; gnomAD 0.00003; 1000 Genomes Project 30x 0.00031; ExAC 0.00001.
gnomAD v4.1: 68 of 1,590,894 alleles (0.0043%); highest among the groups gnomAD compares: Non-Finnish European, 0.0057%; no homozygotes.

Submissions (2):

Labcorp Genetics (formerly Invitae), Labcorp
Classification: Likely benign. Last evaluated: 2024-08-12. Review status: criteria provided, single submitter. Criteria: Invitae Variant Classification Sherloc (09022015). Collection method: clinical testing. Allele origin: germline.

GeneDx
Classification: Likely benign. Last evaluated: 2017-12-27. Review status: criteria provided, single submitter. Criteria: GeneDx Variant Classification (06012015). Collection method: clinical testing. Allele origin: germline. Affected: yes.
Comment: This variant is considered likely benign or benign based on one or more of the following criteria: it is a conservative change, it occurs at a poorly conserved position in the protein, it is predicted to be benign by multiple in silico algorithms, and/or has population frequency not consistent with disease.

NM_017433.5(MYO3A):c.2703C>A (p.Ile901=)

Gene: MYO3A (myosin IIIA; plus strand). Cytogenetic location: 10p12.1.
Variant type: single nucleotide variant.
Coding change: c.2703C>A on transcript NM_017433.5 (MANE Select); coding-DNA position 2703, C replaced by A.
Protein change: p.Ile901=; no amino-acid change (isoleucine 901 retained).
Molecular consequence: synonymous variant.
Genome position (GRCh38, 1-based): chr10:26,153,917, C>A. VCF-style: chr10-26153917-C-A. GRCh37 (hg19) VCF-style: chr10-26442846-C-A.
Identifiers: ClinVar variation 513993 (VCV000513993.9), dbSNP rs201429267, ClinGen allele CA5445032.